The following is an entry in ClinVar:

ClinVar aggregate classification (germline): Uncertain significance. Review status: criteria provided, multiple submitters, no conflicts (2 of 4 stars). 2 submissions from 2 submitters: Uncertain significance (2). Last evaluated 2026-06-01.

Conditions:
Neurodevelopmental disorder with severe motor impairment and absent language. Also called: NEURODEVELOPMENTAL DISORDER WITH VARIABLE MOTOR AND LANGUAGE IMPAIRMENT. Identifiers: Orphanet 647788, MedGen C4540496, MONDO:0060622, OMIM 617804.

Allele frequency attached by ClinVar (database versions not stated): TOPMed below 0.00001.
gnomAD v4.1: 1 of 1,613,642 alleles (0.000062%); highest among the groups gnomAD compares: Admixed American, 0.0017%; no homozygotes.

Submissions (2):

CeGaT Center for Human Genetics Tuebingen
Classification: Uncertain significance. Last evaluated: 2026-06-01. Review status: criteria provided, single submitter. Criteria: CeGaT Center For Human Genetics Tuebingen Variant Classification Criteria Version 2. Collection method: clinical testing. Allele origin: germline. Affected: yes. Observed: 1 variant allele.
Comment: DHX30: PP2

New York Genome Center
Classification: Uncertain significance for Neurodevelopmental disorder with severe motor impairment and absent language. Last evaluated: 2020-09-23. Review status: criteria provided, single submitter. Criteria: NYGC Assertion Criteria 2020. Collection method: clinical testing. Allele origin: germline. Observed: 1 heterozygote. Study: CSER-NYCKidSeq.
Comment: The c.2845G>T (p.Val949Leu) variant detected in the DHX30 gene substitutes a well conserved Valine for Leucine at amino acid 949/1195 (exon 18/22). This variant is absent from gnomAD(v3.0) suggesting it is not a common benign variant in the populations represented in that database. In silico algorithms predict this variant to be Tolerated (SIFT; 0.066) and Benign (REVEL; score:0.146) to the functionof the canonical transcript. This variant is absent from ClinVar, and to our current knowledge has not been reported in affected individuals in the literature. The p.Val949 residue is not within a mapped domain of DHX30 (UniProtKB: Q7L2E3). Given the lack of compelling evidence for pathogenicity, the c.2845G>T (p.Val949Leu) variant detected in the DHX30 gene is reported as a Variant of Uncertain Significance

NM_138615.3(DHX30):c.2845G>T (p.Val949Leu)

Gene: DHX30 (DExH-box helicase 30; plus strand). Cytogenetic location: 3p21.31.
Variant type: single nucleotide variant.
Coding change: c.2845G>T on transcript NM_138615.3 (MANE Select); coding-DNA position 2845, G replaced by T.
Protein change: p.Val949Leu; replaces valine 949 with leucine.
Molecular consequence: missense variant.
Genome position (GRCh38, 1-based): chr3:47,848,995, G>T. VCF-style: chr3-47848995-G-T. GRCh37 (hg19) VCF-style: chr3-47890485-G-T.
Other names: c.2761G>T, p.Val921Leu (NM_001330990.2); c.2728G>T, p.Val910Leu (NM_014966.4); short protein forms V910L, V921L, V949L.
Identifiers: ClinVar variation 1213813 (VCV001213813.3), dbSNP rs2037799667, ClinGen allele CA352592583.